The following is an entry in ClinVar:

ClinVar aggregate classification (germline): Uncertain significance. Review status: criteria provided, multiple submitters, no conflicts (2 of 4 stars). 2 submissions from 2 submitters: Uncertain significance (2). Last evaluated 2025-07-01.

Conditions:
Inborn genetic diseases. Identifiers: MedGen C0950123, MeSH D030342.

gnomAD v4.1: 2 of 1,612,622 alleles (0.00012%); highest among the groups gnomAD compares: Non-Finnish European, 0.00017%; no homozygotes.

Submissions (2):

GeneDx
Classification: Uncertain significance. Last evaluated: 2025-07-01. Review status: criteria provided, single submitter. Criteria: GeneDx Variant Classification Process June 2021. Collection method: clinical testing. Allele origin: germline. Affected: yes.
Comment: Not observed at significant frequency in large population cohorts (gnomAD); In silico analysis supports that this missense variant has a deleterious effect on protein structure/function; Has not been previously published as pathogenic or benign to our knowledge

Ambry Genetics
Classification: Uncertain significance for Inborn genetic diseases. Last evaluated: 2025-01-05. Review status: criteria provided, single submitter. Criteria: Ambry Variant Classification Scheme 2023. Collection method: clinical testing. Allele origin: germline.
Comment: The p.T399R variant (also known as c.1196C>G), located in coding exon 1 of the SAMD9 gene, results from a C to G substitution at nucleotide position 1196. The threonine at codon 399 is replaced by arginine, an amino acid with similar properties. This amino acid position is conserved. In addition, this alteration is predicted to be tolerated by in silico analysis. Based on the available evidence, the clinical significance of this variant remains unclear.

NM_017654.4(SAMD9):c.1196C>G (p.Thr399Arg)

Gene: SAMD9 (sterile alpha motif domain containing 9; minus strand). Cytogenetic location: 7q21.2.
Variant type: single nucleotide variant.
Coding change: c.1196C>G on transcript NM_017654.4 (MANE Select); coding-DNA position 1196, C replaced by G.
Protein change: p.Thr399Arg; replaces threonine 399 with arginine.
Molecular consequence: missense variant.
Genome position (GRCh38, 1-based): chr7:93,104,902, G>C on the plus strand (C>G on the coding strand, the complement: SAMD9 is on the minus strand). VCF-style: chr7-93104902-G-C. GRCh37 (hg19) VCF-style: chr7-92734215-G-C.
Other names: c.1196C>G, p.Thr399Arg (NM_001193307.2); short protein forms T399R.
Identifiers: ClinVar variation 3791977 (VCV003791977.2).
Genomic context (GRCh38, chr7:93,104,902, plus strand): 5'-TTATTTGTTACAAGAATGTACTGTTCATAGTATGAATTATCTAACAAATCTTGATTTCCT[G>C]TCAATAATTTAACCAACTTTGGTCCCTCTCTTTCTTTTTTATTTGTTTTTGCTCTGAATT-3'
Protein context (NP_060124.2, residues 389-409): REGPKLVKLL[Thr399Arg]GNQDLLDNSY